The following continues an entry in ClinVar:

NM_000536.4(RAG2):c.1352G>C (p.Gly451Ala)

Gene: RAG2. ClinVar aggregate classification (germline): Pathogenic. Pathogenic (1).

Submissions 11 to 15 of 15:

Women's Health and Genetics/Laboratory Corporation of America, LabCorp
Classification: Likely pathogenic for Severe Combined Immune Deficiency. Last evaluated: 2020-12-30. Review status: criteria provided, single submitter. Criteria: LabCorp Variant Classification Summary - May 2015. Collection method: clinical testing. Allele origin: germline. Not counted in ClinVar's aggregate classification.
Comment: Variant summary: RAG2 c.1352G>C (p.Gly451Ala) results in a non-conservative amino acid change located in the Recombination Activating Protein 2, PHD domain (IPR025162) of the encoded protein sequence. Five of five in-silico tools predict a damaging effect of the variant on protein function. The variant allele was found at a frequency of 3.6e-05 in 251488 control chromosomes (gnomAD). c.1352G>C has been reported in the literature in multiple compound heterozygous individuals affected with Combined Immunodeficiency Syndrome (e.g. Scheutz_2008, Walter_2015, Wu_2019). These data indicate that the variant may be associated with disease. Several publications report experimental evidence evaluating an impact on protein function, demonstrating reduced recombination activity or efficiency in cells expressing the variant protein (e.g. Scheutz_2008, Walter_2015, Tirosh_2019). Four other clinical diagnostic laboratories have submitted clinical-significance assessments for this variant to ClinVar after 2014 without evidence for independent evaluation, citing the variant as pathogenic (n=2) and uncertain significance (n=2). Based on the evidence outlined above, the variant was classified as likely pathogenic.

Department of Pathology and Laboratory Medicine, Sinai Health System
Classification: Likely pathogenic for Combined immunodeficiency with skin granulomas; Severe combined immunodeficiency, autosomal recessive, T cell-negative, B cell-negative, NK cell-positive; Histiocytic medullary reticulosis. Last evaluated: 2020-08-06. Review status: criteria provided, single submitter. Criteria: ACMG Guidelines, 2015. Collection method: research. Allele origin: germline. Not counted in ClinVar's aggregate classification.

NIHR Bioresource Rare Diseases, University of Cambridge
Classification: Pathogenic for Common variable immunodeficiency. Last evaluated: 2019-01-01. Review status: criteria provided, single submitter. Criteria: ACMG Guidelines, 2015. Collection method: research. Allele origin: germline. Affected: yes. Observed: 1 heterozygote. Not counted in ClinVar's aggregate classification.

Pediatric Immunology Service, The Chaim Sheba Medical Center at Tel HaShomer
Classification: Uncertain significance for RAG2 deficiency; Primary immunodeficiency; Combined immunodeficiency with skin granulomas. Last evaluated: 2018-03-06. Review status: criteria provided, single submitter. Criteria: ACMG Guidelines, 2015. Collection method: research. Allele origin: germline. Affected: yes. Not counted in ClinVar's aggregate classification.

OMIM
Classification: Pathogenic for COMBINED CELLULAR AND HUMORAL IMMUNE DEFECTS WITH GRANULOMAS. Last evaluated: 2008-05-08. Review status: no assertion criteria provided. Collection method: literature only. Allele origin: germline. Not counted in ClinVar's aggregate classification.

Literature cited by the submitters: PubMed 18463379 (cited by 5 submitters); PubMed 26457731 (cited by 3 submitters); PubMed 32581362 (cited by Labcorp Genetics (formerly Invitae), Labcorp); PubMed 32655540 (cited by Labcorp Genetics (formerly Invitae), Labcorp and Natera, Inc.); PubMed 24331380 (cited by Labcorp Genetics (formerly Invitae), Labcorp and Women's Health and Genetics/Laboratory Corporation of America, LabCorp); PubMed 38165471 (cited by Natera, Inc.); PubMed 29772310 (cited by Natera, Inc. and Women's Health and Genetics/Laboratory Corporation of America, LabCorp); PubMed 21664875 (cited by Women's Health and Genetics/Laboratory Corporation of America, LabCorp); PubMed 24996264 (cited by Women's Health and Genetics/Laboratory Corporation of America, LabCorp); PubMed 31388879 (cited by Women's Health and Genetics/Laboratory Corporation of America, LabCorp); PubMed 26996199 (cited by Women's Health and Genetics/Laboratory Corporation of America, LabCorp); PubMed 31334206 (cited by Women's Health and Genetics/Laboratory Corporation of America, LabCorp).